The following is an entry in ClinVar:

NM_000391.4(TPP1):c.1558del (p.Arg520fs)

Gene: TPP1 (tripeptidyl peptidase 1; minus strand). Cytogenetic location: 11p15.4.
Variant type: Deletion.
Coding change: c.1558del on transcript NM_000391.4 (MANE Select); coding-DNA position 1558, one base deleted (C; older notation c.1558delC).
Protein change: p.Arg520fs; shifts the reading frame from arginine 520.
Molecular consequence: frameshift variant.
Genome position (GRCh38, 1-based): chr11:6,614,680, G deleted on the plus strand (C on the coding strand, the reverse complement: TPP1 is on the minus strand); the first of 3 consecutive G bases (chr11:6,614,680-6,614,682); deleting any one gives the same sequence. VCF-style (leftmost placement, unchanged base first): chr11-6614679-CG-C. GRCh37 (hg19) VCF-style: chr11-6635910-CG-C.
Other names: short protein forms R520fs.
Identifiers: ClinVar variation 1459474 (VCV001459474.6), dbSNP rs2134590532, ClinGen allele CA2573147183.

ClinVar aggregate classification (germline): Pathogenic (1 of 4 stars; one submission).

Submission:

Labcorp Genetics (formerly Invitae), Labcorp
Classification: Pathogenic. Last evaluated: 2022-08-16. Review status: criteria provided, single submitter. Criteria: Invitae Variant Classification Sherloc (09022015). Collection method: clinical testing. Allele origin: germline.
Comment: For these reasons, this variant has been classified as Pathogenic. This variant disrupts a region of the TPP1 protein in which other variant(s) (p.Trp542*) have been determined to be pathogenic (PMID: 31283065; Invitae). This suggests that this is a clinically significant region of the protein, and that variants that disrupt it are likely to be disease-causing. ClinVar contains an entry for this variant (Variation ID: 1459474). This variant has not been reported in the literature in individuals affected with TPP1-related conditions. This variant is not present in population databases (gnomAD no frequency). This sequence change creates a premature translational stop signal (p.Arg520Valfs*12) in the TPP1 gene. While this is not anticipated to result in nonsense mediated decay, it is expected to disrupt the last 44 amino acid(s) of the TPP1 protein.

Literature cited by the submitters: PubMed 31283065.